The following is an entry in ClinVar:

NM_020297.4(ABCC9):c.4569T>C (p.Asn1523=)

Genes: ABCC9 (ATP binding cassette subfamily C member 9; minus strand), KCNJ8-AS1 (KCNJ8 antisense RNA 1; plus strand). Cytogenetic location: 12p12.1.
Variant type: single nucleotide variant.
Coding change: c.4569T>C on transcript NM_020297.4 (MANE Select); coding-DNA position 4569, T replaced by C.
Protein change: p.Asn1523=; no amino-acid change (asparagine 1523 retained).
Molecular consequence: synonymous variant. On other transcripts: 3 prime UTR variant (1).
Genome position (GRCh38, 1-based): chr12:21,801,125, A>G on the plus strand (T>C on the coding strand, the complement: ABCC9 is on the minus strand). VCF-style: chr12-21801125-A-G. GRCh37 (hg19) VCF-style: chr12-21954059-A-G.
Other names: c.4569T>C, p.Asn1523= (NM_001377273.1); c.3702T>C, p.Asn1234= (NM_001377274.1); c.*95T>C (NM_005691.4); c.4569T>C (NM_020297.3).
Identifiers: ClinVar variation 178917 (VCV000178917.5), dbSNP rs727504538, ClinGen allele CA183303.

ClinVar aggregate classification (germline): Likely benign. Review status: criteria provided, single submitter (1 of 4 stars). 2 submissions from 2 submitters: Likely benign (1). 1 of the submissions does not count toward it. Last evaluated 2013-04-04.

Conditions:
ABCC9-related disorder. Also called: ABCC9-related disorders; ABCC9-related condition.

Allele frequency attached by ClinVar (database versions not stated): gnomAD 0.00001; ExAC 0.00002; gnomAD exomes 0.00002; TOPMed 0.00002.
gnomAD v4.1: 26 of 1,613,892 alleles (0.0016%); highest among the groups gnomAD compares: Non-Finnish European, 0.0022%; no homozygotes.

Submissions (2):

Laboratory for Molecular Medicine, Mass General Brigham Personalized Medicine
Classification: Likely benign. Last evaluated: 2013-04-04. Review status: criteria provided, single submitter. Criteria: LMM Criteria. Collection method: clinical testing. Allele origin: germline. Observed: 1 variant allele.
Comment: Asn1523Asn in exon 38B of ABCC9: This variant is not expected to have clinical s ignificance because it does not alter an amino acid residue and is not located w ithin the splice consensus sequence. Asn1523Asn in exon 38B of ABCC9 (allele fr equency = n/a)

PreventionGenetics, part of Exact Sciences
Classification: Likely benign for ABCC9-related condition. Last evaluated: 2024-06-28. Review status: no assertion criteria provided. Collection method: clinical testing. Allele origin: germline. Not counted in ClinVar's aggregate classification.
Comment: This variant is classified as likely benign based on ACMG/AMP sequence variant interpretation guidelines (Richards et al. 2015 PMID: 25741868, with internal and published modifications).